The following is an entry in ClinVar:

ClinVar aggregate classification (germline): Uncertain significance (1 of 4 stars; one submission).

Conditions:
Bardet-Biedl syndrome (BBS). Identifiers: Orphanet 110, MedGen C0752166, MONDO:0015229.

Submission:

Labcorp Genetics (formerly Invitae), Labcorp
Classification: Uncertain significance for Bardet-Biedl syndrome. Last evaluated: 2024-10-25. Review status: criteria provided, single submitter. Criteria: Invitae Variant Classification Sherloc (09022015). Collection method: clinical testing. Allele origin: germline.
Comment: This sequence change replaces glycine, which is neutral and non-polar, with valine, which is neutral and non-polar, at codon 395 of the BBS1 protein (p.Gly395Val). This variant is not present in population databases (gnomAD no frequency). This variant has not been reported in the literature in individuals affected with BBS1-related conditions. ClinVar contains an entry for this variant (Variation ID: 1487561). Invitae Evidence Modeling of protein sequence and biophysical properties (such as structural, functional, and spatial information, amino acid conservation, physicochemical variation, residue mobility, and thermodynamic stability) indicates that this missense variant is expected to disrupt BBS1 protein function with a positive predictive value of 95%. In summary, the available evidence is currently insufficient to determine the role of this variant in disease. Therefore, it has been classified as a Variant of Uncertain Significance.

NM_024649.5(BBS1):c.1184G>T (p.Gly395Val)

Genes: BBS1 (Bardet-Biedl syndrome 1; plus strand), ZDHHC24 (zDHHC palmitoyltransferase 24; minus strand). Cytogenetic location: 11q13.2.
Variant type: single nucleotide variant.
Coding change: c.1184G>T on transcript NM_024649.5 (MANE Select); coding-DNA position 1184, G replaced by T.
Protein change: p.Gly395Val; replaces glycine 395 with valine.
Molecular consequence: missense variant. On other transcripts: intron variant (1).
Genome position (GRCh38, 1-based): chr11:66,526,652, G>T. VCF-style: chr11-66526652-G-T. GRCh37 (hg19) VCF-style: chr11-66294123-G-T.
Other names: c.*21+284C>A (NM_001348571.2); short protein forms G395V.
Identifiers: ClinVar variation 1487561 (VCV001487561.7), dbSNP rs2134812092, ClinGen allele CA381422402.